The following is an entry in ClinVar:

ClinVar aggregate classification (germline): Uncertain significance (1 of 4 stars; one submission).

Conditions:
Inborn genetic diseases. Identifiers: MedGen C0950123, MeSH D030342.

gnomAD v4.1: 3 of 1,612,048 alleles (0.00019%); highest among the groups gnomAD compares: Non-Finnish European, 0.00025%; no homozygotes.

Submission:

Ambry Genetics
Classification: Uncertain significance for Inborn genetic diseases. Last evaluated: 2025-01-24. Review status: criteria provided, single submitter. Criteria: Ambry Variant Classification Scheme 2023. Collection method: clinical testing. Allele origin: germline.
Comment: The p.H1123R variant (also known as c.3368A>G), located in coding exon 32 of the RTEL1 gene, results from an A to G substitution at nucleotide position 3368. The histidine at codon 1123 is replaced by arginine, an amino acid with highly similar properties. This amino acid position is conserved. In addition, the in silico prediction for this alteration is inconclusive. Based on the available evidence, the clinical significance of this variant remains unclear.

NM_001283009.2(RTEL1):c.3368A>G (p.His1123Arg)

Genes: RTEL1 (regulator of telomere elongation helicase 1; plus strand), RTEL1-TNFRSF6B (RTEL1-TNFRSF6B readthrough (NMD candidate); plus strand). Cytogenetic location: 20q13.33.
Variant type: single nucleotide variant.
Coding change: c.3368A>G on transcript NM_001283009.2 (MANE Select); coding-DNA position 3368, A replaced by G.
Protein change: p.His1123Arg; replaces histidine 1123 with arginine.
Molecular consequence: missense variant. On other transcripts: non-coding transcript variant (1).
Genome position (GRCh38, 1-based): chr20:63,695,090, A>G. VCF-style: chr20-63695090-A-G. GRCh37 (hg19) VCF-style: chr20-62326443-A-G.
Other names: c.2699A>G, p.His900Arg (NM_001283010.1); c.3368A>G, p.His1123Arg (NM_016434.4); c.3440A>G, p.His1147Arg (NM_032957.5); short protein forms H1147R, H900R, H1123R.
Identifiers: ClinVar variation 3791089 (VCV003791089.1).